The following is an entry in ClinVar:

ClinVar aggregate classification (germline): Likely benign. Review status: criteria provided, multiple submitters, no conflicts (2 of 4 stars). 5 submissions from 5 submitters: Likely benign (5). Last evaluated 2025-12-02.

Conditions:
Familial hypobetalipoproteinemia 1. Also called: APOB-Related Familial Hypobetalipoproteinemia; Hypobetalipoproteinemia, normotriglyceridemic; Acanthocytosis with hypobetalipoproteinemia. Identifiers: MedGen C4551990, MONDO:0014252, OMIM 615558.
Hypercholesterolemia, autosomal dominant, type B (FHCL2). Also called: Familial Hypercholesterolemia Type B; APOLIPOPROTEIN B-100, FAMILIAL DEFECTIVE; APOLIPOPROTEIN B-100, FAMILIAL LIGAND-DEFECTIVE; HYPERCHOLESTEROLEMIA, FAMILIAL, DUE TO LIGAND-DEFECTIVE APOLIPOPROTEIN B; Familial hypercholesterolemia 2; Hyperlipoproteinemia Type IIb. Identifiers: MedGen C1704417, MONDO:0007751, OMIM 144010.
Familial hypercholesterolemia. Also called: Familial hypercholesterolemias; Familial hypercholesterolaemia. Identifiers: MedGen C0020445, MONDO:0005439.
Cardiovascular phenotype. Identifiers: MedGen CN230736.

Allele frequency attached by ClinVar (database versions not stated): ExAC 0.00001; gnomAD exomes 0.00002; TOPMed 0.00002.
gnomAD v4.1: 10 of 1,613,958 alleles (0.00062%); highest among the groups gnomAD compares: East Asian, 0.0089%; no homozygotes.

Submissions (5):

Labcorp Genetics (formerly Invitae), Labcorp
Classification: Likely benign for Familial hypobetalipoproteinemia 1; Hypercholesterolemia, autosomal dominant, type B. Last evaluated: 2025-12-02. Review status: criteria provided, single submitter. Criteria: Invitae Variant Classification Sherloc (09022015). Collection method: clinical testing. Allele origin: germline.

Molecular Diagnostic Laboratory for Inherited Cardiovascular Disease, Montreal Heart Institute
Classification: Likely benign. Last evaluated: 2025-04-09. Review status: criteria provided, single submitter. Criteria: ACMG Guidelines, 2015. Collection method: clinical testing. Allele origin: germline. Affected: no.

GENinCode PLC
Classification: Likely benign for Familial hypercholesterolemia. Last evaluated: 2025-01-09. Review status: criteria provided, single submitter. Criteria: ACMG Guidelines, 2015. Collection method: clinical testing. Allele origin: germline.
Comment: This is a synonymous (silent) variant that is not predicted to impact splicing and occurs at a nucleotide which is not highly conserved. This variant has been classified as Likely Benign (BP4, BP7).

Blueprint Genetics
Classification: Likely benign. Last evaluated: 2024-11-07. Review status: criteria provided, single submitter. Criteria: ACMG Guidelines, 2015. Collection method: clinical testing. Allele origin: germline.

Ambry Genetics
Classification: Likely benign for Cardiovascular phenotype. Last evaluated: 2021-06-03. Review status: criteria provided, single submitter. Criteria: Ambry Variant Classification Scheme 2023. Collection method: clinical testing. Allele origin: germline.

NM_000384.3(APOB):c.13377T>C (p.Asp4459=)

Gene: APOB (apolipoprotein B; minus strand). Cytogenetic location: 2p24.1.
Variant type: single nucleotide variant.
Coding change: c.13377T>C on transcript NM_000384.3 (MANE Select); coding-DNA position 13377, T replaced by C.
Protein change: p.Asp4459=; no amino-acid change (aspartic acid 4459 retained).
Molecular consequence: synonymous variant.
Genome position (GRCh38, 1-based): chr2:21,002,045, A>G on the plus strand (T>C on the coding strand, the complement: APOB is on the minus strand). VCF-style: chr2-21002045-A-G. GRCh37 (hg19) VCF-style: chr2-21224917-A-G.
Identifiers: ClinVar variation 1770259 (VCV001770259.8), dbSNP rs746353350, ClinGen allele CA052580.